The following is an entry in ClinVar:

ClinVar aggregate classification (germline): Uncertain significance (1 of 4 stars; one submission).

Conditions:
Tuberous sclerosis 2 (TSC2). Identifiers: Orphanet 805, MedGen C1860707, MONDO:0013199, OMIM 613254.

gnomAD v4.1: 1 of 1,601,902 alleles (0.000062%); highest among the groups gnomAD compares: South Asian, 0.0011%; no homozygotes.

Submission:

Labcorp Genetics (formerly Invitae), Labcorp
Classification: Uncertain significance for Tuberous sclerosis 2. Last evaluated: 2025-11-24. Review status: criteria provided, single submitter. Criteria: Invitae Variant Classification Sherloc (09022015). Collection method: clinical testing. Allele origin: germline.
Comment: This sequence change falls in intron 13 of the TSC2 gene. It does not directly change the encoded amino acid sequence of the TSC2 protein. It affects a nucleotide within the consensus splice site. This variant is not present in population databases (gnomAD no frequency). This variant has not been reported in the literature in individuals affected with TSC2-related conditions. Variants that disrupt the consensus splice site are a relatively common cause of aberrant splicing (PMID: 17576681, 9536098). Algorithms developed to predict the effect of sequence changes on RNA splicing suggest that this variant is not likely to affect RNA splicing. In summary, the available evidence is currently insufficient to determine the role of this variant in disease. Therefore, it has been classified as a Variant of Uncertain Significance.

Literature cited by the submitters: PubMed 17576681; PubMed 9536098.

NM_000548.5(TSC2):c.1361+6G>T

Gene: TSC2 (TSC complex subunit 2; plus strand). Cytogenetic location: 16p13.3.
Variant type: single nucleotide variant.
Coding change: c.1361+6G>T on transcript NM_000548.5 (MANE Select); 6 bases into the intron after coding-DNA position 1361, G replaced by T.
Molecular consequence: intron variant.
Genome position (GRCh38, 1-based): chr16:2,062,606, G>T. VCF-style: chr16-2062606-G-T. GRCh37 (hg19) VCF-style: chr16-2112607-G-T.
Other names: c.17+6G>T (NM_001406693.1, NM_001406689.1, NM_001406690.1 and 6 more transcripts); c.1451+6G>T (NM_001406667.1, NM_001406668.1); c.761+6G>T (NM_001406680.1, NM_001406683.1, NM_001406687.1 and 6 more transcripts); c.-160+6G>T (NM_001406698.1); c.1361+6G>T (NM_001114382.3, NM_001406663.1, NM_001406664.1 and 6 more transcripts); c.1349+6G>T (NM_001406671.1, NM_001406673.1); c.899+6G>T (NM_001406681.1); c.1250+6G>T (NM_001406670.1, NM_001318827.2, NM_001406678.1); and 3 more.
Identifiers: ClinVar variation 4731851 (VCV004731851.1).
Genomic context (GRCh38, chr16:2,062,606, plus strand): 5'-CGGCCAAGGACGGCTGGATTCAGAACCTGCAGGCGCTGATGGAGAGATTCTTCAGGTAGG[G>T]GGTCCTCTGTAGCCTTGCCTGGCACCTGGAGCCTGGCCCTGTCTCTGTCTGGGGCCCACC-3'